The following is an entry in ClinVar:

NM_002715.4(PPP2CA):c.629G>T (p.Gly210Val)

Gene: PPP2CA (protein phosphatase 2 catalytic subunit alpha; minus strand). Cytogenetic location: 5q31.1.
Variant type: single nucleotide variant.
Coding change: c.629G>T on transcript NM_002715.4 (MANE Select); coding-DNA position 629, G replaced by T.
Protein change: p.Gly210Val; replaces glycine 210 with valine.
Molecular consequence: missense variant. On other transcripts: non-coding transcript variant (1).
Genome position (GRCh38, 1-based): chr5:134,200,444, C>A on the plus strand (G>T on the coding strand, the complement: PPP2CA is on the minus strand). VCF-style: chr5-134200444-C-A. GRCh37 (hg19) VCF-style: chr5-133536135-C-A.
Other names: c.434G>T, p.Gly145Val (NM_001355019.2); short protein forms G145V, G210V.
Identifiers: ClinVar variation 5008517 (VCV005008517.1).

ClinVar aggregate classification (germline): Uncertain significance (1 of 4 stars; one submission).

Submission:

GeneDx
Classification: Uncertain significance. Last evaluated: 2026-03-03. Review status: criteria provided, single submitter. Criteria: GeneDx Variant Classification Process June 2021. Collection method: clinical testing. Allele origin: germline.
Comment: Not observed at significant frequency in large population cohorts (gnomAD); In silico analysis supports that this missense variant has a deleterious effect on protein structure/function; Has not been previously published as pathogenic or benign to our knowledge